The following is an entry in ClinVar:

NM_033026.6(PCLO):c.9840G>C (p.Met3280Ile)

Gene: PCLO (piccolo presynaptic cytomatrix protein; minus strand). Cytogenetic location: 7q21.11.
Variant type: single nucleotide variant.
Coding change: c.9840G>C on transcript NM_033026.6 (MANE Select); coding-DNA position 9840, G replaced by C.
Protein change: p.Met3280Ile; replaces methionine 3280 with isoleucine.
Molecular consequence: missense variant.
Genome position (GRCh38, 1-based): chr7:82,950,748, C>G on the plus strand (G>C on the coding strand, the complement: PCLO is on the minus strand). VCF-style: chr7-82950748-C-G. GRCh37 (hg19) VCF-style: chr7-82580064-C-G.
Other names: c.9840G>C, p.Met3280Ile (NM_014510.3); short protein forms M3280I.
Identifiers: ClinVar variation 1427768 (VCV001427768.7), dbSNP rs745372105, ClinGen allele CA4319840.

ClinVar aggregate classification (germline): Uncertain significance (1 of 4 stars; one submission).

Allele frequency attached by ClinVar (database versions not stated): gnomAD exomes 0.00002 and 0.00006; TOPMed 0.00002; ExAC 0.00006.
gnomAD v4.1: 24 of 1,613,712 alleles (0.0015%); highest among the groups gnomAD compares: Admixed American, 0.037%; no homozygotes.

Submission:

Labcorp Genetics (formerly Invitae), Labcorp
Classification: Uncertain significance. Last evaluated: 2025-04-23. Review status: criteria provided, single submitter. Criteria: Invitae Variant Classification Sherloc (09022015). Collection method: clinical testing. Allele origin: germline.
Comment: This sequence change replaces methionine, which is neutral and non-polar, with isoleucine, which is neutral and non-polar, at codon 3280 of the PCLO protein (p.Met3280Ile). This variant is present in population databases (rs745372105, gnomAD 0.05%). This variant has not been reported in the literature in individuals affected with PCLO-related conditions. ClinVar contains an entry for this variant (Variation ID: 1427768). An algorithm developed to predict the effect of missense changes on protein structure and function outputs the following: PolyPhen-2: "Not Available". The isoleucine amino acid residue is found in multiple mammalian species, which suggests that this missense change does not adversely affect protein function. In summary, the available evidence is currently insufficient to determine the role of this variant in disease. Therefore, it has been classified as a Variant of Uncertain Significance.